The following is an entry in ClinVar:

ClinVar aggregate classification (germline): Uncertain significance (1 of 4 stars; one submission).

Conditions:
Idiopathic generalized epilepsy. Also called: Generalised epilepsy; EIG. Identifiers: MedGen C0270850, MONDO:0005579, OMIM 600669.

Allele frequency attached by ClinVar (database versions not stated): gnomAD 0.00002; TOPMed below 0.00001.
gnomAD v4.1: 16 of 1,614,020 alleles (0.00099%); highest among the groups gnomAD compares: Non-Finnish European, 0.0014%; no homozygotes.

Submission:

Labcorp Genetics (formerly Invitae), Labcorp
Classification: Uncertain significance for Idiopathic generalized epilepsy. Last evaluated: 2025-03-31. Review status: criteria provided, single submitter. Criteria: Invitae Variant Classification Sherloc (09022015). Collection method: clinical testing. Allele origin: germline.
Comment: This sequence change replaces alanine, which is neutral and non-polar, with glycine, which is neutral and non-polar, at codon 263 of the RBFOX1 protein (p.Ala263Gly). This variant is present in population databases (no rsID available, gnomAD 0.01%). This variant has not been reported in the literature in individuals affected with RBFOX1-related conditions. ClinVar contains an entry for this variant (Variation ID: 1961152). Invitae Evidence Modeling of protein sequence and biophysical properties (such as structural, functional, and spatial information, amino acid conservation, physicochemical variation, residue mobility, and thermodynamic stability) indicates that this missense variant is not expected to disrupt RBFOX1 protein function with a negative predictive value of 80%. In summary, the available evidence is currently insufficient to determine the role of this variant in disease. Therefore, it has been classified as a Variant of Uncertain Significance.

NM_018723.4(RBFOX1):c.728C>G (p.Ala243Gly)

Gene: RBFOX1 (RNA binding fox-1 homolog 1; plus strand). Cytogenetic location: 16p13.3.
Variant type: single nucleotide variant.
Coding change: c.728C>G on transcript NM_018723.4 (MANE Select); coding-DNA position 728, C replaced by G.
Protein change: p.Ala243Gly; replaces alanine 243 with glycine.
Molecular consequence: missense variant. On other transcripts: intron variant (1).
Genome position (GRCh38, 1-based): chr16:7,630,654, C>G. VCF-style: chr16-7630654-C-G. GRCh37 (hg19) VCF-style: chr16-7680656-C-G.
Other names: c.728C>G, p.Ala243Gly (NM_001142334.2, NM_001364800.2); c.857C>G, p.Ala286Gly (NM_001308117.1, NM_001411047.1, NM_001415891.1 and 1 more transcripts); c.1325C>G, p.Ala442Gly (NM_001415887.1); c.836C>G, p.Ala279Gly (NM_001415889.1, NM_001415892.1, NM_001415894.1 and 1 more transcripts); c.803C>G, p.Ala268Gly (NM_001415890.1, NM_001415893.1, NM_001415899.1 and 1 more transcripts); c.788C>G, p.Ala263Gly (NM_001415896.1, NM_001415904.1, NM_145891.3 and 2 more transcripts); c.734C>G, p.Ala245Gly (NM_001415902.1, NM_001415911.1); c.710C>G, p.Ala237Gly (NM_001415905.1); and 4 more; short protein forms A237G, A243G, A255G, A263G, A286G, A442G, A212G, A245G.
Identifiers: ClinVar variation 1961152 (VCV001961152.5), dbSNP rs1353751760, ClinGen allele CA394683413.
Genomic context (GRCh38, chr16:7,630,654, plus strand): 5'-CTTTCGTAGGCACGGTCCTGTTGTGCCAGGCCAACCAGGAGGGATCTTCCATGTACAGTG[C>G]CCCCAGTTCACTTGTATATACTTCTGCAAGTAAGCCCACTGTCGTGGCTCTTTTTGTTTT-3'
Protein context (NP_061193.2, residues 233-253): ANQEGSSMYS[Ala243Gly]PSSLVYTSAM